The following is an entry in ClinVar:

NM_001111.5(ADAR):c.2524G>C (p.Asp842His)

Gene: ADAR (adenosine deaminase RNA specific; minus strand). Cytogenetic location: 1q21.3.
Variant type: single nucleotide variant.
Coding change: c.2524G>C on transcript NM_001111.5 (MANE Select); coding-DNA position 2524, G replaced by C.
Protein change: p.Asp842His; replaces aspartic acid 842 with histidine.
Molecular consequence: missense variant.
Genome position (GRCh38, 1-based): chr1:154,589,901, C>G on the plus strand (G>C on the coding strand, the complement: ADAR is on the minus strand). VCF-style: chr1-154589901-C-G. GRCh37 (hg19) VCF-style: chr1-154562377-C-G.
Other names: c.1639G>C, p.Asp547His (NM_001025107.3, NM_001193495.2, NM_001365046.1 and 2 more transcripts); c.2551G>C, p.Asp851His (NM_001365045.1); c.1561G>C, p.Asp521His (NM_001365049.1); c.2446G>C, p.Asp816His (NM_015840.4); c.2389G>C, p.Asp797His (NM_015841.4); short protein forms D521H, D851H, D816H, D547H, D797H, D842H.
Identifiers: ClinVar variation 1426638 (VCV001426638.8), dbSNP rs2101585854, ClinGen allele CA342637056.

ClinVar aggregate classification (germline): Uncertain significance (1 of 4 stars; one submission).

Conditions:
Symmetrical dyschromatosis of extremities (DSH). Also called: RETICULATE ACROPIGMENTATION OF DOHI; SYMMETRIC DYSCHROMATOSIS OF THE EXTREMITIES; Dyschromatosis symmetrica hereditaria; DYSCHROMATOSIS SYMMETRICA HEREDITARIA 1. Identifiers: Orphanet 41, MedGen C0406775, MONDO:0007483, OMIM 127400.
Aicardi-Goutieres syndrome 6 (AGS6). Identifiers: Orphanet 51, MedGen C3539013, MONDO:0014007, OMIM 615010.

Submission:

Labcorp Genetics (formerly Invitae), Labcorp
Classification: Uncertain significance for Aicardi-Goutieres syndrome 6; Symmetrical dyschromatosis of extremities. Last evaluated: 2025-08-18. Review status: criteria provided, single submitter. Criteria: Invitae Variant Classification Sherloc (09022015). Collection method: clinical testing. Allele origin: germline.
Comment: This sequence change replaces aspartic acid, which is acidic and polar, with histidine, which is basic and polar, at codon 842 of the ADAR protein (p.Asp842His). This variant is not present in population databases (gnomAD no frequency). This variant has not been reported in the literature in individuals affected with ADAR-related conditions. ClinVar contains an entry for this variant (Variation ID: 1426638). Invitae Evidence Modeling of protein sequence and biophysical properties (such as structural, functional, and spatial information, amino acid conservation, physicochemical variation, residue mobility, and thermodynamic stability) has been performed for this missense variant. However, the output from this modeling did not meet the statistical confidence thresholds required to predict the impact of this variant on ADAR protein function. In summary, the available evidence is currently insufficient to determine the role of this variant in disease. Therefore, it has been classified as a Variant of Uncertain Significance.